The following is an entry in ClinVar:

ClinVar aggregate classification (germline): Likely pathogenic (1 of 4 stars; one submission).

Conditions:
Hereditary cancer-predisposing syndrome. Also called: Tumor predisposition; Neoplastic Syndromes, Hereditary; Hereditary neoplastic syndrome; Hereditary Cancer Syndrome. Identifiers: Orphanet 140162, MedGen C0027672, MeSH D009386, MONDO:0015356.

Submission:

Color Diagnostics, LLC DBA Color Health
Classification: Likely pathogenic for Hereditary cancer-predisposing syndrome. Last evaluated: 2022-03-14. Review status: criteria provided, single submitter. Criteria: ACMG Guidelines, 2015. Collection method: clinical testing. Allele origin: germline.
Comment: This variant deletes 17 nucleotides in exon 27 of the BRCA2 gene, creating a frameshift and premature translation stop signal. Although this variant is not predicted to trigger nonsense-mediated decay, it causes the partial loss of the RAD51 binding domain (PMID: 9126738, 9192668) and the nuclear localization signals (PMID: 10570174), and is expected to result in a non-functional protein product. To our knowledge, this variant has not been reported in individuals affected with hereditary cancer in the literature. This variant has not been identified in the general population by the Genome Aggregation Database (gnomAD). Loss of BRCA2 function is a known mechanism of disease. Based on the available evidence, this variant is classified as Likely Pathogenic.

Literature cited by the submitters: PubMed 9126738; PubMed 9192668; PubMed 10570174.

NM_000059.4(BRCA2):c.9850_9866del (p.Ser3284fs)

Gene: BRCA2 (BRCA2 DNA repair associated; plus strand). Cytogenetic location: 13q13.1.
Variant type: Deletion.
Coding change: c.9850_9866del on transcript NM_000059.4 (MANE Select); coding-DNA positions 9850 to 9866, 17 bases deleted (AGTCCCATTTGTACATT).
Protein change: p.Ser3284fs; shifts the reading frame from serine 3284.
Molecular consequence: frameshift variant.
Genome position (GRCh38, 1-based): chr13:32,398,363-32,398,379, AGTCCCATTTGTACATT deleted; deleting any 17 consecutive bases within chr13:32,398,361-32,398,379 gives the same sequence; the c. name uses the placement nearest the transcript's 3' end. VCF-style (leftmost placement, unchanged base first): chr13-32398360-GTTAGTCCCATTTGTACA-G. GRCh37 (hg19) VCF-style: chr13-32972497-GTTAGTCCCATTTGTACA-G.
Other names: short protein forms S3284fs.
Identifiers: ClinVar variation 630798 (VCV000630798.5), dbSNP rs1566261091, ClinGen allele CA913188614.